The following is an entry in ClinVar:

ClinVar aggregate classification (germline): Uncertain significance. Review status: criteria provided, multiple submitters, no conflicts (2 of 4 stars). 2 submissions from 2 submitters: Uncertain significance (2). Last evaluated 2024-09-04.

Conditions:
Hereditary nonpolyposis colorectal neoplasms. Identifiers: MedGen C0009405, MeSH D003123.
Hereditary cancer-predisposing syndrome. Also called: Tumor predisposition; Hereditary neoplastic syndrome; Neoplastic Syndromes, Hereditary; Hereditary Cancer Syndrome. Identifiers: Orphanet 140162, MedGen C0027672, MeSH D009386, MONDO:0015356.

Submissions (2):

Ambry Genetics
Classification: Uncertain significance for Hereditary cancer-predisposing syndrome. Last evaluated: 2024-09-04. Review status: criteria provided, single submitter. Criteria: Ambry Variant Classification Scheme 2023. Collection method: clinical testing. Allele origin: germline.
Comment: The p.K1126E variant (also known as c.3376A>G), located in coding exon 5 of the MSH6 gene, results from an A to G substitution at nucleotide position 3376. The lysine at codon 1126 is replaced by glutamic acid, an amino acid with similar properties. This amino acid position is not well conserved in available vertebrate species. In addition, the in silico prediction for this alteration is inconclusive. Based on the available evidence, the clinical significance of this variant remains unclear.

Labcorp Genetics (formerly Invitae), Labcorp
Classification: Uncertain significance for Hereditary nonpolyposis colorectal neoplasms. Last evaluated: 2020-12-01. Review status: criteria provided, single submitter. Criteria: Invitae Variant Classification Sherloc (09022015). Collection method: clinical testing. Allele origin: germline.
Comment: In summary, the available evidence is currently insufficient to determine the role of this variant in disease. Therefore, it has been classified as a Variant of Uncertain Significance. Advanced modeling of protein sequence and biophysical properties (such as structural, functional, and spatial information, amino acid conservation, physicochemical variation, residue mobility, and thermodynamic stability) performed at Invitae indicates that this missense variant is not expected to disrupt MSH6 protein function. This variant has not been reported in the literature in individuals with MSH6-related conditions. This variant is not present in population databases (ExAC no frequency). This sequence change replaces lysine with glutamic acid at codon 1126 of the MSH6 protein (p.Lys1126Glu). The lysine residue is weakly conserved and there is a small physicochemical difference between lysine and glutamic acid.

NM_000179.3(MSH6):c.3376A>G (p.Lys1126Glu)

Gene: MSH6 (mutS homolog 6; plus strand). Cytogenetic location: 2p16.3.
Variant type: single nucleotide variant.
Coding change: c.3376A>G on transcript NM_000179.3 (MANE Select); coding-DNA position 3376, A replaced by G.
Protein change: p.Lys1126Glu; replaces lysine 1126 with glutamic acid.
Molecular consequence: missense variant.
Genome position (GRCh38, 1-based): chr2:47,803,623, A>G. VCF-style: chr2-47803623-A-G. GRCh37 (hg19) VCF-style: chr2-48030762-A-G.
Other names: c.2986A>G, p.Lys996Glu (NM_001281492.2); c.2470A>G, p.Lys824Glu (NM_001281493.2, NM_001281494.2); short protein forms K824E, K996E, K1126E.
Identifiers: ClinVar variation 1490041 (VCV001490041.11), dbSNP rs2104483165, ClinGen allele CA346758812.